The following is an entry in ClinVar:

NM_004006.3(DMD):c.5008_5025+7del

Gene: DMD (dystrophin; minus strand). Cytogenetic location: Xp21.1.
Variant type: Deletion.
Coding change: c.5008_5025+7del on transcript NM_004006.3 (MANE Select); coding-DNA position 5008 through 7 bases into the intron after coding-DNA position 5025, 25 bases deleted (TGGTTAAATCTTTTGTTGGTAAGAG).
Molecular consequence: splice donor variant.
Genome position (GRCh38, 1-based): chrX:32,365,013-32,365,037, CTCTTACCAACAAAAGATTTAACCA deleted on the plus strand (TGGTTAAATCTTTTGTTGGTAAGAG on the coding strand, the reverse complement: DMD is on the minus strand); deleting any 25 consecutive bases within chrX:32,365,013-32,365,042 gives the same sequence; the c. name uses the placement nearest the transcript's 3' end. VCF-style (leftmost placement, unchanged base first): chrX-32365012-TCTCTTACCAACAAAAGATTTAACCA-T. GRCh37 (hg19) VCF-style: chrX-32383129-TCTCTTACCAACAAAAGATTTAACCA-T.
Other names: c.4984_5001+7del (NM_000109.4); c.985_1002+7del (NM_004011.4); c.976_993+7del (NM_004012.4); c.4996_5013+7del (NM_004009.3); c.4639_4656+7del (NM_004010.3).
Identifiers: ClinVar variation 1704541 (VCV001704541.1), dbSNP rs2522565446, ClinGen allele CA2580100677.

ClinVar aggregate classification (germline): Likely pathogenic (1 of 4 stars; one submission).

Conditions:
Neuromuscular disease caused by qualitative or quantitative defects of dystrophin. Also called: Qualitative or quantitative defects of dystrophin. Identifiers: Orphanet 207085, MedGen C5679787, MONDO:0016147.

Submission:

Women's Health and Genetics/Laboratory Corporation of America, LabCorp
Classification: Likely pathogenic for Neuromuscular disease caused by qualitative or quantitative defects of dystrophin. Last evaluated: 2022-07-05. Review status: criteria provided, single submitter. Criteria: LabCorp Variant Classification Summary - May 2015. Collection method: clinical testing. Allele origin: germline.
Comment: Variant summary: DMD c.5008_5025+7del25 is located in a canonical splice-site and is predicted to affect mRNA splicing resulting in a significantly altered protein due to either exon skipping, shortening, or inclusion of intronic material. Several computational tools predict a significant impact on normal splicing: Three predict the variant abolishes a 5' splicing donor site. However, these predictions have yet to be confirmed by functional studies. The variant was absent in 182917 control chromosomes (gnomAD). To our knowledge, no occurrence of c.5008_5025+7del25 in individuals affected with Dystrophinopathies and no experimental evidence demonstrating its impact on protein function have been reported. No clinical diagnostic laboratories have submitted clinical-significance assessments for this variant to ClinVar after 2014. Based on the evidence outlined above, the variant was classified as likely pathogenic.